The following is an entry in ClinVar:

NM_005633.4(SOS1):c.1074+126C>T

Gene: SOS1 (SOS Ras/Rac guanine nucleotide exchange factor 1; minus strand). Cytogenetic location: 2p22.1.
Variant type: single nucleotide variant.
Coding change: c.1074+126C>T on transcript NM_005633.4 (MANE Select); 126 bases into the intron after coding-DNA position 1074, C replaced by T.
Molecular consequence: intron variant.
Genome position (GRCh38, 1-based): chr2:39,035,086, G>A on the plus strand (C>T on the coding strand, the complement: SOS1 is on the minus strand). VCF-style: chr2-39035086-G-A. GRCh37 (hg19) VCF-style: chr2-39262227-G-A.
Other names: c.1053+126C>T (NM_001382394.1); c.1074+126C>T (NM_001382395.1).
Identifiers: ClinVar variation 561460 (VCV000561460.1), dbSNP rs140589484, ClinGen allele CA45683183.

ClinVar aggregate classification (germline): Likely benign (1 of 4 stars; one submission).

Allele frequency attached by ClinVar (database versions not stated): gnomAD exomes 0.00043; 1000 Genomes Project 0.00300; gnomAD 0.00371 and 0.00397; 1000 Genomes Project 30x 0.00390; TOPMed 0.00395.
gnomAD v4.1: 800 of 693,896 alleles (0.12%); highest among the groups gnomAD compares: African/African-American, 1.3%; 6 homozygotes.

Submission:

GeneDx
Classification: Likely benign. Last evaluated: 2018-06-14. Review status: criteria provided, single submitter. Criteria: GeneDx Variant Classification (06012015). Collection method: clinical testing. Allele origin: germline. Affected: yes.
Comment: This variant is considered likely benign or benign based on one or more of the following criteria: it is a conservative change, it occurs at a poorly conserved position in the protein, it is predicted to be benign by multiple in silico algorithms, and/or has population frequency not consistent with disease.